The following is an entry in ClinVar:

ClinVar aggregate classification (germline): Benign. Review status: criteria provided, multiple submitters, no conflicts (2 of 4 stars). 2 submissions from 2 submitters: Benign (2). Last evaluated 2026-02-04.

Submissions (2):

Labcorp Genetics (formerly Invitae), Labcorp
Classification: Benign. Last evaluated: 2026-02-04. Review status: criteria provided, single submitter. Criteria: Invitae Variant Classification Sherloc (09022015). Collection method: clinical testing. Allele origin: germline.

GeneDx
Classification: Benign. Last evaluated: 2019-01-09. Review status: criteria provided, single submitter. Criteria: GeneDx Variant Classification Process June 2021. Collection method: clinical testing. Allele origin: germline. Affected: yes.
Comment: This variant is associated with the following publications: (PMID: 26095808, 29178652, 28137891, 27884173)

NM_001184900.3(CARD8):c.440_441dup (p.Val148fs)

Gene: CARD8 (caspase recruitment domain family member 8; minus strand). Cytogenetic location: 19q13.33.
Variant type: Duplication.
Coding change: c.440_441dup on transcript NM_001184900.3 (MANE Select); coding-DNA positions 440 to 441, 2 bases duplicated (AA; older notation c.440_441dupAA).
Protein change: p.Val148fs; shifts the reading frame from valine 148.
Molecular consequence: frameshift variant. On other transcripts: non-coding transcript variant (4).
Genome position (GRCh38, 1-based): chr19:48,231,761-48,231,762, TT duplicated on the plus strand (AA on the coding strand, the reverse complement: CARD8 is on the minus strand); duplicating any 2 consecutive bases within chr19:48,231,761-48,231,763 gives the same sequence; the c. name uses the placement nearest the transcript's 3' end. VCF-style (leftmost placement, unchanged base first): chr19-48231760-C-CTT. GRCh37 (hg19) VCF-style: chr19-48735017-C-CTT.
Other names: c.290_291dup, p.Val98fs (NM_001184901.1, NM_001351783.2, NM_001351788.2 and 2 more transcripts); c.440_441dup, p.Val148fs (NM_001184902.2, NM_001184903.1, NM_001351782.2); c.125_126dup, p.Val43fs (NM_001351784.2, NM_001351787.2, NM_001351791.2 and 2 more transcripts); c.104_105dup, p.Val36fs (NM_001351786.2); c.197_198dup, p.Val67fs (NM_001351790.2); short protein forms V148fs, V36fs, V43fs, V67fs, V98fs.
Identifiers: ClinVar variation 1170357 (VCV001170357.11), dbSNP rs140826611, ClinGen allele CA9548015.